The following is an entry in ClinVar:

NM_000168.6(GLI3):c.1086G>T (p.Gln362His)

Gene: GLI3 (GLI family zinc finger 3; minus strand). Cytogenetic location: 7p14.1.
Variant type: single nucleotide variant.
Coding change: c.1086G>T on transcript NM_000168.6 (MANE Select); coding-DNA position 1086, G replaced by T.
Protein change: p.Gln362His; replaces glutamine 362 with histidine.
Molecular consequence: missense variant.
Genome position (GRCh38, 1-based): chr7:42,026,355, C>A on the plus strand (G>T on the coding strand, the complement: GLI3 is on the minus strand). VCF-style: chr7-42026355-C-A. GRCh37 (hg19) VCF-style: chr7-42065954-C-A.
Other names: c.1086G>T (NM_000168.5); short protein forms Q362H.
Identifiers: ClinVar variation 3594683 (VCV003594683.2).

ClinVar aggregate classification (germline): Uncertain significance. Review status: criteria provided, multiple submitters, no conflicts (2 of 4 stars). 2 submissions from 2 submitters: Uncertain significance (2). Last evaluated 2026-05-01.

Conditions:
Greig cephalopolysyndactyly syndrome (GCPS). Also called: Greig syndrome; GLI3-Related Greig Cephalopolysyndactyly Syndrome; POLYSYNDACTYLY WITH PECULIAR SKULL SHAPE. Identifiers: Orphanet 380, MedGen C0265306, MONDO:0008287, OMIM 175700.
Polysyndactyly 4. Also called: Polysyndactyly uncomplicated; Preaxial polydactyly 4. Identifiers: Orphanet 93338, MedGen C1868111, MONDO:0008272, OMIM 174700.
Polydactyly, postaxial, type A1. Identifiers: MedGen C4282400, MONDO:0008266, OMIM 174200.
Pallister-Hall syndrome (PHS). Also called: GLI3-Related Pallister-Hall Syndrome; HYPOTHALAMIC HAMARTOBLASTOMA, HYPOPITUITARISM, IMPERFORATE ANUS, AND POSTAXIAL POLYDACTYLY. Identifiers: Orphanet 672, MedGen C0265220, MONDO:0007804, OMIM 146510.
GLI3-related disorder. Also called: GLI3-related disorders; GLI3-related condition. Identifiers: MedGen CN239292.

gnomAD v4.1: 2 of 1,614,178 alleles (0.00012%); highest among the groups gnomAD compares: Admixed American, 0.0017%; no homozygotes.

Submissions (2):

PreventionGenetics, part of Exact Sciences
Classification: Uncertain significance for GLI3-related condition. Last evaluated: 2026-05-01. Review status: criteria provided, single submitter. Criteria: ACMG Guidelines, 2015. Collection method: clinical testing. Allele origin: germline.
Comment: The GLI3 c.1086G>T variant is predicted to result in the amino acid substitution p.Gln362His. To our knowledge, this variant has not been reported in the literature. This variant is reported in 0.0029% of alleles in individuals of Latino descent in gnomAD. At this time, the clinical significance of this variant is uncertain due to the absence of conclusive functional and genetic evidence.

Fulgent Genetics
Classification: Uncertain significance for Pallister-Hall syndrome; Polydactyly, postaxial, type A1; Polysyndactyly 4; Greig cephalopolysyndactyly syndrome. Last evaluated: 2024-04-08. Review status: criteria provided, single submitter. Criteria: ACMG Guidelines, 2015. Collection method: clinical testing. Allele origin: germline.